The following is an entry in ClinVar:

NM_000377.3(WAS):c.1157dup (p.Gly387fs)

Gene: WAS (WASP actin nucleation promoting factor; plus strand). Cytogenetic location: Xp11.23.
Variant type: Duplication.
Coding change: c.1157dup on transcript NM_000377.3 (MANE Select); coding-DNA position 1157, one base duplicated (C; older notation c.1157dupC).
Protein change: p.Gly387fs; shifts the reading frame from glycine 387.
Molecular consequence: frameshift variant.
Genome position (GRCh38, 1-based): chrX:48,688,885, C duplicated; the last of 5 consecutive C bases (chrX:48,688,881-48,688,885); duplicating any one gives the same sequence. VCF-style (leftmost placement, unchanged base first): chrX-48688880-A-AC. GRCh37 (hg19) VCF-style: chrX-48547269-A-AC.
Other names: c.1157dupC (NM_000377.2); short protein forms G387fs.
Identifiers: ClinVar variation 280093 (VCV000280093.2), dbSNP rs886041379, ClinGen allele CA10603599.
Genomic context (GRCh38, chrX:48,688,880, plus strand): 5'-AGGGGGCCCTCCACCACCACCCCCTCCAGCTACTGGACGTTCTGGACCACTGCCCCCTCC[A>AC]CCCCCTGGAGCTGGTGGGCCACCCATGCCACCACCACCGCCACCACCGCCACCGCCGCCC-3'

ClinVar aggregate classification (germline): Pathogenic (1 of 4 stars; one submission).

Submission:

GeneDx
Classification: Pathogenic. Last evaluated: 2015-12-18. Review status: criteria provided, single submitter. Criteria: GeneDx Variant Classification (06012015). Collection method: clinical testing. Allele origin: germline. Affected: yes.
Comment: The c.1157dupC pathogenic variant in the WAS gene has been reported previously in association with a WAS-related disorder (Jin et al., 2004). The duplication causes a frameshift starting with codon Glycine 387, changes this amino acid to a Tryptophan residue and creates a premature Stop codon at position 108 of the new reading frame, denoted p.Gly387TrpfsX108. This pathogenic variant is predicted to cause loss of normal protein function through protein truncation.